The following is an entry in ClinVar:

NM_000093.5(COL5A1):c.5155G>T (p.Glu1719Ter)

Genes: COL5A1 (collagen type V alpha 1 chain; plus strand), LOC101448202 (uncharacterized LOC101448202; minus strand). Cytogenetic location: 9q34.3.
Variant type: single nucleotide variant.
Coding change: c.5155G>T on transcript NM_000093.5 (MANE Select); coding-DNA position 5155, G replaced by T.
Protein change: p.Glu1719Ter; replaces glutamic acid 1719 with a stop codon.
Molecular consequence: nonsense.
Genome position (GRCh38, 1-based): chr9:134,834,989, G>T. VCF-style: chr9-134834989-G-T. GRCh37 (hg19) VCF-style: chr9-137726835-G-T.
Other names: c.5155G>T, p.Glu1719Ter (NM_001278074.1); short protein forms E1719*.
Identifiers: ClinVar variation 642115 (VCV000642115.3), dbSNP rs776640704, ClinGen allele CA375460271.

ClinVar aggregate classification (germline): Pathogenic (1 of 4 stars; one submission).

Conditions:
Ehlers-Danlos syndrome, classic type (cEDS). Identifiers: Orphanet 287, MedGen C4225429, MONDO:0007522.

Submission:

Labcorp Genetics (formerly Invitae), Labcorp
Classification: Pathogenic for Ehlers-Danlos syndrome, type 1. Last evaluated: 2018-08-27. Review status: criteria provided, single submitter. Criteria: Invitae Variant Classification Sherloc (09022015). Collection method: clinical testing. Allele origin: germline.
Comment: This sequence change creates a premature translational stop signal (p.Glu1719*) in the COL5A1 gene. It is expected to result in an absent or disrupted protein product. This variant is not present in population databases (ExAC no frequency). This variant has not been reported in the literature in individuals with COL5A1-related disease. Loss-of-function variants in COL5A1 are known to be pathogenic (PMID: 23587214). For these reasons, this variant has been classified as Pathogenic.